The following is an entry in ClinVar:

ClinVar aggregate classification (germline): Uncertain significance. Review status: criteria provided, multiple submitters, no conflicts (2 of 4 stars). 5 submissions from 5 submitters: Uncertain significance (5). Last evaluated 2025-12-24.

Conditions:
Hypertrophic cardiomyopathy 14. Identifiers: MedGen C2750467, MONDO:0013197, OMIM 613251.
Sick sinus syndrome 3, susceptibility to (SSS3). Identifiers: Orphanet 166282, MedGen C3279791, MONDO:0013568, OMIM 614090.
Hypertrophic cardiomyopathy 1 (CMH1). Also called: Familial hypertrophic cardiomyopathy 1; MYH7-Related Familial Hypertrophic Cardiomyopathy. Identifiers: MedGen C3495498, MONDO:0008647, OMIM 192600.
Dilated cardiomyopathy 1EE (CMD1EE). Identifiers: Orphanet 154, MedGen C2750466, MONDO:0013198, OMIM 613252.
Atrial septal defect 3 (ASD3). Identifiers: Orphanet 1478, MedGen C3279790, MONDO:0013567, OMIM 614089.
Cardiovascular phenotype. Identifiers: MedGen CN230736.

Allele frequency attached by ClinVar (database versions not stated): gnomAD exomes below 0.00001 and 0.00004; ExAC 0.00001; TOPMed 0.00002; gnomAD 0.00003.
gnomAD v4.1: 66 of 1,613,988 alleles (0.0041%); highest among the groups gnomAD compares: Non-Finnish European, 0.0054%; no homozygotes.

Submissions (5):

Labcorp Genetics (formerly Invitae), Labcorp
Classification: Uncertain significance for Hypertrophic cardiomyopathy 14. Last evaluated: 2025-12-24. Review status: criteria provided, single submitter. Criteria: Invitae Variant Classification Sherloc (09022015). Collection method: clinical testing. Allele origin: germline.
Comment: This sequence change replaces threonine, which is neutral and polar, with serine, which is neutral and polar, at codon 995 of the MYH6 protein (p.Thr995Ser). This variant is present in population databases (rs753891816, gnomAD 0.002%). This missense change has been observed in individual(s) with atrial fibrillation (PMID: 24120998). ClinVar contains an entry for this variant (Variation ID: 929191). Invitae Evidence Modeling of protein sequence and biophysical properties (such as structural, functional, and spatial information, amino acid conservation, physicochemical variation, residue mobility, and thermodynamic stability) indicates that this missense variant is not expected to disrupt MYH6 protein function with a negative predictive value of 80%. In summary, the available evidence is currently insufficient to determine the role of this variant in disease. Therefore, it has been classified as a Variant of Uncertain Significance.

Women's Health and Genetics/Laboratory Corporation of America, LabCorp
Classification: Uncertain significance. Last evaluated: 2025-07-18. Review status: criteria provided, single submitter. Criteria: LabCorp Variant Classification Summary - May 2015. Collection method: clinical testing. Allele origin: germline.
Comment: Variant summary: MYH6 c.2984C>G (p.Thr995Ser) results in a conservative amino acid change located in the Myosin tail domain (IPR002928) of the encoded protein sequence. Algorithms developed to predict the effect of missense changes on protein structure and function are either unavailable or do not agree on the potential impact of this missense change. The variant allele was found at a frequency of 4e-06 in 251466 control chromosomes. The available data on variant occurrences in the general population are insufficient to allow any conclusion about variant significance. c.2984C>G has been reported in the literature at a heterozygous state in an individua affected with Atrial Fibrillation (Weeke 2014). These report(s) do not provide unequivocal conclusions about association of the variant with Cardiomyopathy. To our knowledge, no experimental evidence demonstrating an impact on protein function has been reported. The following publication has been ascertained in the context of this evaluation (PMID: 24120998). ClinVar contains an entry for this variant (Variation ID: 929191). Based on the evidence outlined above, the variant was classified as uncertain significance.

Ambry Genetics
Classification: Uncertain significance for Cardiovascular phenotype. Last evaluated: 2024-09-02. Review status: criteria provided, single submitter. Criteria: Ambry Variant Classification Scheme 2023. Collection method: clinical testing. Allele origin: germline.
Comment: The p.T995S variant (also known as c.2984C>G), located in coding exon 21 of the MYH6 gene, results from a C to G substitution at nucleotide position 2984. The threonine at codon 995 is replaced by serine, an amino acid with similar properties. This alteration has been reported in an atrial fibrillation cohort with limited clinical details (Weeke P et al. Heart Rhythm, 2014 Jan;11:46-52). This amino acid position is highly conserved in available vertebrate species. In addition, the in silico prediction for this alteration is inconclusive. Since supporting evidence is limited at this time, the clinical significance of this alteration remains unclear.

Fulgent Genetics
Classification: Uncertain significance for Hypertrophic cardiomyopathy 1; Hypertrophic cardiomyopathy 14; Dilated cardiomyopathy 1EE; Atrial septal defect 3; Sick sinus syndrome 3, susceptibility to. Last evaluated: 2021-08-06. Review status: criteria provided, single submitter. Criteria: ACMG Guidelines, 2015. Collection method: clinical testing. Allele origin: unknown.

GeneDx
Classification: Uncertain significance. Last evaluated: 2021-01-26. Review status: criteria provided, single submitter. Criteria: GeneDx Variant Classification Process June 2021. Collection method: clinical testing. Allele origin: germline. Affected: yes.
Comment: Reported in a patient with lone atrial fibrillation (Weeke et al., 2014); however, detailed clinical information was not provided; Reported in ClinVar as a variant of uncertain significance (ClinVar Variant ID# 929191; Landrum et al., 2016); Not observed at a significant frequency in large population cohorts (Lek et al., 2016); In silico analysis, which includes protein predictors and evolutionary conservation, supports that this variant does not alter protein structure/function; This variant is associated with the following publications: (PMID: 24120998)

Literature cited by the submitters: PubMed 24120998 (cited by 3 submitters).

NM_002471.4(MYH6):c.2984C>G (p.Thr995Ser)

Gene: MYH6 (myosin heavy chain 6; minus strand). Cytogenetic location: 14q11.2.
Variant type: single nucleotide variant.
Coding change: c.2984C>G on transcript NM_002471.4 (MANE Select); coding-DNA position 2984, C replaced by G.
Protein change: p.Thr995Ser; replaces threonine 995 with serine.
Molecular consequence: missense variant.
Genome position (GRCh38, 1-based): chr14:23,393,463, G>C on the plus strand (C>G on the coding strand, the complement: MYH6 is on the minus strand). VCF-style: chr14-23393463-G-C. GRCh37 (hg19) VCF-style: chr14-23862672-G-C.
Other names: short protein forms T995S.
Identifiers: ClinVar variation 929191 (VCV000929191.16), dbSNP rs753891816, ClinGen allele CA7115331.